The following is an entry in ClinVar:

NM_015512.5(DNAH1):c.10976A>G (p.Asn3659Ser)

Gene: DNAH1 (dynein axonemal heavy chain 1; plus strand). Cytogenetic location: 3p21.1.
Variant type: single nucleotide variant.
Coding change: c.10976A>G on transcript NM_015512.5 (MANE Select); coding-DNA position 10976, A replaced by G.
Protein change: p.Asn3659Ser; replaces asparagine 3659 with serine.
Molecular consequence: missense variant.
Genome position (GRCh38, 1-based): chr3:52,395,315, A>G. VCF-style: chr3-52395315-A-G. GRCh37 (hg19) VCF-style: chr3-52429331-A-G.
Other names: short protein forms N3659S.
Identifiers: ClinVar variation 544591 (VCV000544591.6), dbSNP rs376694884, ClinGen allele CA2436032.
Genomic context (GRCh38, chr3:52,395,315, plus strand): 5'-CCCGATCTCTCTGCAGCCCCAGGTGGTCTCAGCATCTCCCCCTGCCCTTGCAGACAGCCA[A>G]TCTGTCAGTGGTGTTCAAAGACTCCAACTCCACCACACCCCTCATCTTTGTGCTGTCACC-3'
Protein context (NP_056327.4, residues 3649-3669): EPRFIEPQTA[Asn3659Ser]LSVVFKDSNS

ClinVar aggregate classification (germline): Uncertain significance. Review status: criteria provided, multiple submitters, no conflicts (2 of 4 stars). 3 submissions from 3 submitters: Uncertain significance (3). Last evaluated 2022-06-23.

Conditions:
Spermatogenic failure 18. Identifiers: MedGen C4539783, MONDO:0054615, OMIM 617576.
Ciliary dyskinesia, primary, 37 (CILD37). Also called: CILIARY DYSKINESIA, PRIMARY, 37, WITH OR WITHOUT SITUS INVERSUS. Identifiers: MedGen C4539798, MONDO:0033204, OMIM 617577.
Primary ciliary dyskinesia. Also called: Ciliary dyskinesia. Identifiers: Orphanet 244, MedGen C0008780, MONDO:0016575, HP:0012265.

Allele frequency attached by ClinVar (database versions not stated): TOPMed 0.00009; ExAC 0.00012; gnomAD 0.00006; gnomAD exomes 0.00006 and 0.00009; ESP Exome Variant Server 0.00008.
gnomAD v4.1: 93 of 1,613,128 alleles (0.0058%); highest among the groups gnomAD compares: East Asian, 0.016%; 1 homozygote.

Submissions (3):

UNC Molecular Genetics  Laboratory, University of North Carolina at Chapel Hill
Classification: Uncertain significance for Primary ciliary dyskinesia. Last evaluated: 2022-06-23. Review status: criteria provided, single submitter. Criteria: ACMG Guidelines, 2015. Collection method: clinical testing. Allele origin: germline. Observed: 1 heterozygote.

GeneDx
Classification: Uncertain significance. Last evaluated: 2022-03-20. Review status: criteria provided, single submitter. Criteria: GeneDx Variant Classification Process June 2021. Collection method: clinical testing. Allele origin: germline. Affected: yes.
Comment: In silico analysis supports that this missense variant has a deleterious effect on protein structure/function; Has not been previously published as pathogenic or benign to our knowledge

Labcorp Genetics (formerly Invitae), Labcorp
Classification: Uncertain significance for Ciliary dyskinesia, primary, 37; Spermatogenic failure 18. Last evaluated: 2021-12-19. Review status: criteria provided, single submitter. Criteria: Invitae Variant Classification Sherloc (09022015). Collection method: clinical testing. Allele origin: germline.
Comment: This sequence change replaces asparagine, which is neutral and polar, with serine, which is neutral and polar, at codon 3659 of the DNAH1 protein (p.Asn3659Ser). This variant is present in population databases (rs376694884, gnomAD 0.05%). This variant has not been reported in the literature in individuals affected with DNAH1-related conditions. ClinVar contains an entry for this variant (Variation ID: 544591). Algorithms developed to predict the effect of missense changes on protein structure and function are either unavailable or do not agree on the potential impact of this missense change (SIFT: "Deleterious"; PolyPhen-2: "Possibly Damaging"; Align-GVGD: "Class C0"). In summary, the available evidence is currently insufficient to determine the role of this variant in disease. Therefore, it has been classified as a Variant of Uncertain Significance.